The following is an entry in ClinVar:

ClinVar aggregate classification (germline): Uncertain significance (1 of 4 stars; one submission).

Submission:

GeneDx
Classification: Uncertain significance. Last evaluated: 2023-08-02. Review status: criteria provided, single submitter. Criteria: GeneDx Variant Classification Process June 2021. Collection method: clinical testing. Allele origin: germline. Affected: yes.
Comment: Not observed at significant frequency in large population cohorts (gnomAD); In silico analysis supports that this missense variant does not alter protein structure/function; Has not been previously published as pathogenic or benign to our knowledge

NM_001388492.1(HTT):c.1496C>T (p.Pro499Leu)

Gene: HTT (huntingtin; plus strand). Cytogenetic location: 4p16.3.
Variant type: single nucleotide variant.
Coding change: c.1496C>T on transcript NM_001388492.1 (MANE Select); coding-DNA position 1496, C replaced by T.
Protein change: p.Pro499Leu; replaces proline 499 with leucine.
Molecular consequence: missense variant.
Genome position (GRCh38, 1-based): chr4:3,127,357, C>T. VCF-style: chr4-3127357-C-T. GRCh37 (hg19) VCF-style: chr4-3129084-C-T.
Other names: c.1502C>T, p.Pro501Leu (NM_002111.8); short protein forms P499L, P501L.
Identifiers: ClinVar variation 3361822 (VCV003361822.1).
Genomic context (GRCh38, chr4:3,127,357, plus strand): 5'-CTGCTTCTTCAGGGGTTTCCACTCCAGGGTCAGCAGGTCATGACATCATCACAGAACAGC[C>T]ACGGTCACAGCACACACTGCAGGCGGACTCAGTGGATCTGGCCAGCTGTGACTTGACAAG-3'
Protein context (NP_001375421.1, residues 489-509): SAGHDIITEQ[Pro499Leu]RSQHTLQADS